The following is an entry in ClinVar:

ClinVar aggregate classification (germline): Uncertain significance (1 of 4 stars; one submission).

Conditions:
Hereditary cancer-predisposing syndrome. Also called: Hereditary neoplastic syndrome; Tumor predisposition; Hereditary Cancer Syndrome; Neoplastic Syndromes, Hereditary. Identifiers: Orphanet 140162, MedGen C0027672, MeSH D009386, MONDO:0015356.

Allele frequency attached by ClinVar (database versions not stated): ExAC 0.00001.
gnomAD v4.1: 1 of 1,614,070 alleles (0.000062%); highest among the groups gnomAD compares: South Asian, 0.0011%; no homozygotes.

Submission:

Ambry Genetics
Classification: Uncertain significance for Hereditary cancer-predisposing syndrome. Last evaluated: 2023-07-27. Review status: criteria provided, single submitter. Criteria: Ambry Variant Classification Scheme 2023. Collection method: clinical testing. Allele origin: germline.
Comment: The p.C543Y variant (also known as c.1628G>A), located in coding exon 5 of the AXIN2 gene, results from a G to A substitution at nucleotide position 1628. The cysteine at codon 543 is replaced by tyrosine, an amino acid with highly dissimilar properties. This amino acid position is conserved. In addition, the in silico prediction for this alteration is inconclusive. Since supporting evidence is limited at this time, the clinical significance of this alteration remains unclear.

NM_004655.4(AXIN2):c.1628G>A (p.Cys543Tyr)

Gene: AXIN2 (axin 2; minus strand). Cytogenetic location: 17q24.1.
Variant type: single nucleotide variant.
Coding change: c.1628G>A on transcript NM_004655.4 (MANE Select); coding-DNA position 1628, G replaced by A.
Protein change: p.Cys543Tyr; replaces cysteine 543 with tyrosine.
Molecular consequence: missense variant.
Genome position (GRCh38, 1-based): chr17:65,537,408, C>T on the plus strand (G>A on the coding strand, the complement: AXIN2 is on the minus strand). VCF-style: chr17-65537408-C-T. GRCh37 (hg19) VCF-style: chr17-63533526-C-T.
Other names: c.1628G>A, p.Cys543Tyr (NM_001363813.1); short protein forms C543Y.
Identifiers: ClinVar variation 2586361 (VCV002586361.2), dbSNP rs749312775, ClinGen allele CA8718596.
Genomic context (GRCh38, chr17:65,537,408, plus strand): 5'-TCCGGAGCCTTGGAGTGGCTTTTGCATTTCGAGTAGCAGTAATACTCGCTGCCCCCAGGG[C>T]AGAAGCAGTGCACCCGCTGCGTGGCCTCCGCCTCGATCTCCTCCTTGGTCTTGGGGACGG-3'
Protein context (NP_004646.3, residues 533-553): AEATQRVHCF[Cys543Tyr]PGGSEYYCYS